The following is an entry in ClinVar:

NM_000628.5(IL10RB):c.383A>T (p.His128Leu)

Genes: IFNAR2-IL10RB (IFNAR2-IL10RB readthrough; plus strand), IL10RB (interleukin 10 receptor subunit beta; plus strand). Cytogenetic location: 21q22.11.
Variant type: single nucleotide variant.
Coding change: c.383A>T on transcript NM_000628.5 (MANE Select); coding-DNA position 383, A replaced by T.
Protein change: p.His128Leu; replaces histidine 128 with leucine.
Molecular consequence: missense variant. On other transcripts: non-coding transcript variant (1).
Genome position (GRCh38, 1-based): chr21:33,279,803, A>T. VCF-style: chr21-33279803-A-T. GRCh37 (hg19) VCF-style: chr21-34652108-A-T.
Other names: c.383A>T, p.His128Leu (NM_001405849.1, NM_001405850.1, NM_001406840.1); c.1043A>T, p.His348Leu (NM_001414505.1); short protein forms H348L, H128L.
Identifiers: ClinVar variation 2040903 (VCV002040903.4), dbSNP rs773996271, ClinGen allele CA10006130.
Genomic context (GRCh38, chr21:33,279,803, plus strand): 5'-TCTGCTTAGCCATTATTGGACCCCCTGGAATGCAAGTAGAAGTACTTGCTGATTCTTTAC[A>T]TATGCGTTTCTTAGCCCCTAAAATTGAGAATGAATACGAAACTTGGACTATGAAGAATGT-3'
Protein context (NP_000619.3, residues 118-138): MQVEVLADSL[His128Leu]MRFLAPKIEN

ClinVar aggregate classification (germline): Uncertain significance (1 of 4 stars; one submission).

Conditions:
Inflammatory bowel disease 25. Also called: Inflammatory bowel disease 25, early onset, autosomal recessive. Identifiers: Orphanet 238569, MedGen C2675508, MONDO:0012941, OMIM 612567.

Allele frequency attached by ClinVar (database versions not stated): gnomAD exomes below 0.00001; ExAC 0.00002.
gnomAD v4.1: 6 of 1,613,872 alleles (0.00037%); highest among the groups gnomAD compares: Non-Finnish European, 0.00051%; no homozygotes.

Submission:

Labcorp Genetics (formerly Invitae), Labcorp
Classification: Uncertain significance for Inflammatory bowel disease 25. Last evaluated: 2021-12-14. Review status: criteria provided, single submitter. Criteria: Invitae Variant Classification Sherloc (09022015). Collection method: clinical testing. Allele origin: germline.
Comment: In summary, the available evidence is currently insufficient to determine the role of this variant in disease. Therefore, it has been classified as a Variant of Uncertain Significance. Algorithms developed to predict the effect of missense changes on protein structure and function are either unavailable or do not agree on the potential impact of this missense change (SIFT: "Tolerated"; PolyPhen-2: "Possibly Damaging"; Align-GVGD: "Class C0"). This variant has not been reported in the literature in individuals affected with IL10RB-related conditions. This variant is present in population databases (rs773996271, gnomAD 0.002%). This sequence change replaces histidine, which is basic and polar, with leucine, which is neutral and non-polar, at codon 128 of the IL10RB protein (p.His128Leu).